The following is an entry in ClinVar:

ClinVar aggregate classification (germline): Benign (0 of 4 stars; one submission).

Conditions:
PLCB4-related disorder. Also called: PLCB4-related condition.

Submissions (4):

PreventionGenetics, part of Exact Sciences
Classification: Benign for PLCB4-related condition. Last evaluated: 2019-07-12. Review status: no assertion criteria provided. Collection method: clinical testing. Allele origin: germline.
Comment: This variant is classified as benign based on ACMG/AMP sequence variant interpretation guidelines (Richards et al. 2015 PMID: 25741868, with internal and published modifications).

Dr. Peter K. Rogan Lab, Western University
No classification provided (evidence only). Condition: Gastric cancer. Review status: no classification provided. Collection method: in vitro. Allele origin: not applicable. Functional consequence: retained intron. Not counted in ClinVar's aggregate classification.

Dr. Peter K. Rogan Lab, Western University
No classification provided (evidence only). Condition: Gastric cancer. Review status: no classification provided. Collection method: in vitro. Allele origin: not applicable. Functional consequence: retained intron. Not counted in ClinVar's aggregate classification.

Dr. Peter K. Rogan Lab, Western University
No classification provided (evidence only). Condition: Uveal melanoma. Review status: no classification provided. Collection method: in vitro. Allele origin: not applicable. Functional consequence: retained intron. Not counted in ClinVar's aggregate classification.

NM_001377142.1(PLCB4):c.3409-5del

Gene: PLCB4 (phospholipase C beta 4; plus strand). Cytogenetic location: 20p12.2.
Variant type: Deletion.
Coding change: c.3409-5del on transcript NM_001377142.1 (MANE Select); 5 bases into the intron before coding-DNA position 3409, one base deleted (T; older notation c.3409-5delT).
Molecular consequence: intron variant.
Genome position (GRCh38, 1-based): chr20:9,473,274, T deleted; the last of 20 consecutive T bases (chr20:9,473,255-9,473,274); deleting any one gives the same sequence. VCF-style (leftmost placement, unchanged base first): chr20-9473254-AT-A. GRCh37 (hg19) VCF-style: chr20-9453901-AT-A.
Other names: NC_000020.10:g.9453921del; c.3373-5del (NM_001377134.2, NM_000933.4, NM_182797.3 and 2 more transcripts); c.3409-5del (NM_001377143.1, NM_001172646.2).
Identifiers: ClinVar variation 3059977 (VCV003059977.3), dbSNP rs3037097, ClinGen allele CA9761694.